The following is an entry in ClinVar:

NM_001184880.2(PCDH19):c.1676del (p.Asn559fs)

Gene: PCDH19 (protocadherin 19; minus strand). Cytogenetic location: Xq22.1.
Variant type: Deletion.
Coding change: c.1676del on transcript NM_001184880.2 (MANE Select); coding-DNA position 1676, one base deleted (A; older notation c.1676delA).
Protein change: p.Asn559fs; shifts the reading frame from asparagine 559.
Molecular consequence: frameshift variant.
Genome position (GRCh38, 1-based): chrX:100,406,922, T deleted on the plus strand (A on the coding strand, the reverse complement: PCDH19 is on the minus strand); the first of 2 consecutive T bases (chrX:100,406,922-100,406,923); deleting either gives the same sequence. VCF-style (leftmost placement, unchanged base first): chrX-100406921-GT-G. GRCh37 (hg19) VCF-style: chrX-99661919-GT-G.
Other names: c.1676delA (NM_001184880.2); c.1676del, p.Asn559fs (NM_001105243.2, NM_020766.3); short protein forms N559fs.
Identifiers: ClinVar variation 561073 (VCV000561073.8), dbSNP rs1569314475, ClinGen allele CA658824637.

ClinVar aggregate classification (germline): Pathogenic. Review status: criteria provided, multiple submitters, no conflicts (2 of 4 stars). 3 submissions from 3 submitters: Pathogenic (3). Last evaluated 2026-02-10.

Conditions:
Epilepsy. Also called: Seizure disorder. Identifiers: MedGen C0014544, MeSH D004827, MONDO:0005027.
Developmental and epileptic encephalopathy, 9 (DEE9). Also called: JUBERG-HELLMAN SYNDROME; PCDH19-Related X-Linked Female-Limited Epilepsy with Mental Retardation; Early infantile epileptic encephalopathy 9; EPILEPSY, FEMALE-RESTRICTED, WITH MENTAL RETARDATION. Identifiers: Orphanet 101039, Orphanet 2076, MedGen C1848137, MONDO:0010246, OMIM 300088. Disease mechanism: loss of function.

Submissions (3):

Cytogénomique, Hospices Civils de Lyon
Classification: Pathogenic for Epilepsy. Last evaluated: 2026-02-10. Review status: criteria provided, single submitter. Criteria: ACMG Guidelines, 2015. Collection method: clinical testing. Allele origin: germline. Affected: yes.

Labcorp Genetics (formerly Invitae), Labcorp
Classification: Pathogenic for Developmental and epileptic encephalopathy, 9. Last evaluated: 2022-09-14. Review status: criteria provided, single submitter. Criteria: Invitae Variant Classification Sherloc (09022015). Collection method: clinical testing. Allele origin: germline.
Comment: ClinVar contains an entry for this variant (Variation ID: 561073). For these reasons, this variant has been classified as Pathogenic. This variant has not been reported in the literature in individuals affected with PCDH19-related conditions. This sequence change creates a premature translational stop signal (p.Asn559Thrfs*10) in the PCDH19 gene. It is expected to result in an absent or disrupted protein product. Loss-of-function variants in PCDH19 are known to be pathogenic (PMID: 21053371). This variant is not present in population databases (gnomAD no frequency).

Baylor Genetics
Classification: Pathogenic for Developmental and epileptic encephalopathy, 9. Last evaluated: 2017-09-01. Review status: criteria provided, single submitter. Criteria: ACMG Guidelines, 2015. Collection method: clinical testing. Allele origin: paternal. Inheritance: X-linked inheritance. Affected: yes.

Literature cited by the submitters: PubMed 21053371 (cited by Labcorp Genetics (formerly Invitae), Labcorp); PubMed 25326635 (cited by Baylor Genetics).